The following is an entry in ClinVar:

NM_000138.5(FBN1):c.1972C>T (p.Arg658Trp)

Gene: FBN1 (fibrillin 1; minus strand). Cytogenetic location: 15q21.1.
Variant type: single nucleotide variant.
Coding change: c.1972C>T on transcript NM_000138.5 (MANE Select); coding-DNA position 1972, C replaced by T.
Protein change: p.Arg658Trp; replaces arginine 658 with tryptophan.
Molecular consequence: missense variant.
Genome position (GRCh38, 1-based): chr15:48,503,928, G>A on the plus strand (C>T on the coding strand, the complement: FBN1 is on the minus strand). VCF-style: chr15-48503928-G-A. GRCh37 (hg19) VCF-style: chr15-48796125-G-A.
Other names: short protein forms R658W.
Identifiers: ClinVar variation 918151 (VCV000918151.2), dbSNP rs751517759, ClinGen allele CA046530.

ClinVar aggregate classification (germline): Uncertain significance. Review status: criteria provided, multiple submitters, no conflicts (2 of 4 stars). 2 submissions from 2 submitters: Uncertain significance (2). Last evaluated 2025-07-25.

Conditions:
Familial thoracic aortic aneurysm and aortic dissection (TAAD). Also called: Thoracic aortic aneurysms and dissections. Identifiers: Orphanet 91387, MedGen C4707243, MONDO:0019625.

Allele frequency attached by ClinVar (database versions not stated): gnomAD exomes below 0.00001 and 0.00001; ExAC 0.00001.
gnomAD v4.1: 9 of 1,614,064 alleles (0.00056%); highest among the groups gnomAD compares: African/African-American, 0.0013%; no homozygotes.

Submissions (2):

Color Diagnostics, LLC DBA Color Health
Classification: Uncertain significance for Familial thoracic aortic aneurysm and aortic dissection. Last evaluated: 2025-07-25. Review status: criteria provided, single submitter. Criteria: ACMG Guidelines, 2015. Collection method: clinical testing. Allele origin: germline.
Comment: This missense variant replaces arginine with tryptophan at codon 658 of the FBN1 protein. Computational prediction suggests that this variant may have a deleterious impact on protein structure and function. To our knowledge, functional studies have not been reported for this variant. This variant has not been reported in individuals affected with FBN1-related disorders in the literature. This variant has been identified in 1/251412 chromosomes in the general population by the Genome Aggregation Database (gnomAD). The available evidence is insufficient to determine the role of this variant in disease conclusively. Therefore, this variant is classified as a Variant of Uncertain Significance.

Women's Health and Genetics/Laboratory Corporation of America, LabCorp
Classification: Uncertain significance. Last evaluated: 2020-03-11. Review status: criteria provided, single submitter. Criteria: LabCorp Variant Classification Summary - May 2015. Collection method: clinical testing. Allele origin: germline.
Comment: Variant summary: FBN1 c.1972C>T (p.Arg658Trp) results in a non-conservative amino acid change in the encoded protein sequence. Five of five in-silico tools predict a damaging effect of the variant on protein function. The variant allele was found at a frequency of 4e-06 in 251412 control chromosomes (gnomAD). The available data on variant occurrences in the general population are insufficient to allow any conclusion about variant significance. To our knowledge, no occurrence of c.1972C>T in individuals affected with Marfan Syndrome and no experimental evidence demonstrating its impact on protein function have been reported. No clinical diagnostic laboratories have submitted clinical-significance assessments for this variant to ClinVar after 2014. Based on the evidence outlined above, the variant was classified as uncertain significance.